The following is an entry in ClinVar:

NM_170606.3(KMT2C):c.7133C>G (p.Thr2378Arg)

Gene: KMT2C (lysine methyltransferase 2C; minus strand). Cytogenetic location: 7q36.1.
Variant type: single nucleotide variant.
Coding change: c.7133C>G on transcript NM_170606.3 (MANE Select); coding-DNA position 7133, C replaced by G.
Protein change: p.Thr2378Arg; replaces threonine 2378 with arginine.
Molecular consequence: missense variant.
Genome position (GRCh38, 1-based): chr7:152,180,727, G>C on the plus strand (C>G on the coding strand, the complement: KMT2C is on the minus strand). VCF-style: chr7-152180727-G-C. GRCh37 (hg19) VCF-style: chr7-151877812-G-C.
Other names: short protein forms T2378R.
Identifiers: ClinVar variation 2433212 (VCV002433212.11), dbSNP rs762356843, ClinGen allele CA4579949.

ClinVar aggregate classification (germline): Conflicting classifications of pathogenicity. Review status: criteria provided, conflicting classifications (1 of 4 stars). 4 submissions from 4 submitters: Uncertain significance (2); Likely benign (2). Last evaluated 2026-01-01.

Conditions:
Kleefstra syndrome 2 (KLEFS2). Identifiers: MedGen C4540395, MONDO:0054701, OMIM 617768.
KMT2C-related disorder. Also called: KMT2C-related condition; KMT2C-related disorders.

Allele frequency attached by ClinVar (database versions not stated): ExAC 0.00001; TOPMed 0.00001; gnomAD 0.00002.
gnomAD v4.1: 69 of 1,611,812 alleles (0.0043%); highest among the groups gnomAD compares: Non-Finnish European, 0.0053%; no homozygotes.

Submissions (4):

CeGaT Center for Human Genetics Tuebingen
Classification: Likely benign. Last evaluated: 2026-01-01. Review status: criteria provided, single submitter. Criteria: CeGaT Center For Human Genetics Tuebingen Variant Classification Criteria Version 2. Collection method: clinical testing. Allele origin: germline. Affected: yes. Observed: 1 variant allele.
Comment: KMT2C: BS2

Labcorp Genetics (formerly Invitae), Labcorp
Classification: Likely benign. Last evaluated: 2023-04-17. Review status: criteria provided, single submitter. Criteria: Invitae Variant Classification Sherloc (09022015). Collection method: clinical testing. Allele origin: germline.

PreventionGenetics, part of Exact Sciences
Classification: Uncertain significance for KMT2C-related condition. Last evaluated: 2022-10-26. Review status: criteria provided, single submitter. Criteria: ACMG Guidelines, 2015. Collection method: clinical testing. Allele origin: germline.
Comment: The KMT2C c.7133C>G variant is predicted to result in the amino acid substitution p.Thr2378Arg. To our knowledge, this variant has not been reported in the literature. This variant is reported in 0.0018% of alleles in individuals of European (Non-Finnish) descent in gnomAD. At this time, the clinical significance of this variant is uncertain due to the absence of conclusive functional and genetic evidence.

Revvity Omics, Revvity
Classification: Uncertain significance for Kleefstra syndrome 2. Last evaluated: 2019-01-17. Review status: criteria provided, single submitter. Criteria: ACMG Guidelines, 2015. Collection method: clinical testing. Allele origin: germline.